The following is an entry in ClinVar:

NM_000152.5(GAA):c.748A>G (p.Thr250Ala)

Gene: GAA (alpha glucosidase; plus strand). Cytogenetic location: 17q25.3.
Variant type: single nucleotide variant.
Coding change: c.748A>G on transcript NM_000152.5 (MANE Select); coding-DNA position 748, A replaced by G.
Protein change: p.Thr250Ala; replaces threonine 250 with alanine.
Molecular consequence: missense variant.
Genome position (GRCh38, 1-based): chr17:80,107,612, A>G. VCF-style: chr17-80107612-A-G. GRCh37 (hg19) VCF-style: chr17-78081411-A-G.
Other names: c.748A>G (NM_000152.4); c.748A>G, p.Thr250Ala (NM_001079803.3, NM_001079804.3); short protein forms T250A.
Identifiers: ClinVar variation 1306213 (VCV001306213.6), dbSNP rs2039117417, ClinGen allele CA401363286.
Genomic context (GRCh38, chr17:80,107,612, plus strand): 5'-CGCAGGCTGAACACGACGGTGGCGCCCCTGTTCTTTGCGGACCAGTTCCTTCAGCTGTCC[A>G]CCTCGCTGCCCTCGCAGTATATCACAGGCCTCGCCGAGCACCTCAGTCCCCTGATGCTCA-3'
Protein context (NP_000143.2, residues 240-260): FFADQFLQLS[Thr250Ala]SLPSQYITGL

ClinVar aggregate classification (germline): Uncertain significance. Review status: criteria provided, multiple submitters, no conflicts (2 of 4 stars). 4 submissions from 4 submitters: Uncertain significance (3). 1 of the submissions does not count toward it. Last evaluated 2026-01-21.

Conditions:
Glycogen storage disease, type II (IOPD). Also called: CARDIOMEGALIA GLYCOGENICA DIFFUSA; GLYCOGENOSIS, GENERALIZED, CARDIAC FORM; GSD II; Glycogen storage disease type 2; Acid maltase deficiency disease; Aglucosidase alfa. Identifiers: Orphanet 365, MedGen C0017921, MONDO:0009290, OMIM 232300.

Allele frequency attached by ClinVar (database versions not stated): gnomAD exomes below 0.00001.
gnomAD v4.1: 1 of 1,613,100 alleles (0.000062%); highest among the groups gnomAD compares: Non-Finnish European, 0.000085%; no homozygotes.

Submissions (4):

Labcorp Genetics (formerly Invitae), Labcorp
Classification: Uncertain significance for Glycogen storage disease, type II. Last evaluated: 2026-01-21. Review status: criteria provided, single submitter. Criteria: Invitae Variant Classification Sherloc (09022015). Collection method: clinical testing. Allele origin: germline.
Comment: This sequence change replaces threonine, which is neutral and polar, with alanine, which is neutral and non-polar, at codon 250 of the GAA protein (p.Thr250Ala). This variant is not present in population databases (gnomAD no frequency). This variant has not been reported in the literature in individuals affected with GAA-related conditions. ClinVar contains an entry for this variant (Variation ID: 1306213). Invitae Evidence Modeling of protein sequence and biophysical properties (such as structural, functional, and spatial information, amino acid conservation, physicochemical variation, residue mobility, and thermodynamic stability) indicates that this missense variant is expected to disrupt GAA protein function with a positive predictive value of 95%. In summary, the available evidence is currently insufficient to determine the role of this variant in disease. Therefore, it has been classified as a Variant of Uncertain Significance.

Revvity Omics, Revvity
Classification: Uncertain significance. Last evaluated: 2021-07-26. Review status: criteria provided, single submitter. Criteria: ACMG Guidelines, 2015. Collection method: clinical testing. Allele origin: germline.

GeneDx
Classification: Uncertain significance. Last evaluated: 2019-06-13. Review status: criteria provided, single submitter. Criteria: GeneDx Variant Classification Process June 2021. Collection method: clinical testing. Allele origin: germline. Affected: yes.
Comment: Not observed in large population cohorts (Lek et al., 2016); In silico analysis, which includes protein predictors and evolutionary conservation, supports a deleterious effect; Has not been previously published as pathogenic or benign to our knowledge

Natera, Inc.
Classification: Uncertain significance for Glycogen storage disease type II. Last evaluated: 2025-01-21. Review status: no assertion criteria provided. Collection method: clinical testing. Allele origin: germline. Not counted in ClinVar's aggregate classification.